The following is an entry in ClinVar:

ClinVar aggregate classification (germline): Likely benign. Review status: criteria provided, multiple submitters, no conflicts (2 of 4 stars). 3 submissions from 3 submitters: Likely benign (2). 1 of the submissions does not count toward it. Last evaluated 2024-10-14.

Conditions:
CHSY1-related disorder. Also called: CHSY1-related condition.

Allele frequency attached by ClinVar (database versions not stated): ExAC 0.00005; gnomAD exomes 0.00006; TOPMed 0.00007; gnomAD 0.00010 and 0.00011.
gnomAD v4.1: 117 of 1,614,070 alleles (0.0072%); highest among the groups gnomAD compares: African/African-American, 0.015%; no homozygotes.

Submissions (3):

Blueprint Genetics
Classification: Likely benign. Last evaluated: 2024-10-14. Review status: criteria provided, single submitter. Criteria: ACMG Guidelines, 2015. Collection method: clinical testing. Allele origin: germline.

Labcorp Genetics (formerly Invitae), Labcorp
Classification: Likely benign. Last evaluated: 2018-03-02. Review status: criteria provided, single submitter. Criteria: Invitae Variant Classification Sherloc (09022015). Collection method: clinical testing. Allele origin: germline.

PreventionGenetics, part of Exact Sciences
Classification: Likely benign for CHSY1-related condition. Last evaluated: 2021-01-19. Review status: no assertion criteria provided. Collection method: clinical testing. Allele origin: germline. Not counted in ClinVar's aggregate classification.
Comment: This variant is classified as likely benign based on ACMG/AMP sequence variant interpretation guidelines (Richards et al. 2015 PMID: 25741868, with internal and published modifications).

NM_014918.5(CHSY1):c.1008C>T (p.Arg336=)

Gene: CHSY1 (chondroitin sulfate synthase 1; minus strand). Cytogenetic location: 15q26.3.
Variant type: single nucleotide variant.
Coding change: c.1008C>T on transcript NM_014918.5 (MANE Select); coding-DNA position 1008, C replaced by T.
Protein change: p.Arg336=; no amino-acid change (arginine 336 retained).
Molecular consequence: synonymous variant.
Genome position (GRCh38, 1-based): chr15:101,178,789, G>A on the plus strand (C>T on the coding strand, the complement: CHSY1 is on the minus strand). VCF-style: chr15-101178789-G-A. GRCh37 (hg19) VCF-style: chr15-101718994-G-A.
Identifiers: ClinVar variation 727864 (VCV000727864.6), dbSNP rs777695123, ClinGen allele CA7762611.